The following is an entry in ClinVar:

NM_001042492.3(NF1):c.3173A>G (p.Asp1058Gly)

Gene: NF1 (neurofibromin 1; plus strand). Cytogenetic location: 17q11.2.
Variant type: single nucleotide variant.
Coding change: c.3173A>G on transcript NM_001042492.3 (MANE Select); coding-DNA position 3173, A replaced by G.
Protein change: p.Asp1058Gly; replaces aspartic acid 1058 with glycine.
Molecular consequence: missense variant.
Genome position (GRCh38, 1-based): chr17:31,230,901, A>G. VCF-style: chr17-31230901-A-G. GRCh37 (hg19) VCF-style: chr17-29557919-A-G.
Other names: c.3173A>G, p.Asp1058Gly (NM_000267.4); short protein forms D1058G.
Identifiers: ClinVar variation 457628 (VCV000457628.9), dbSNP rs1387858614, ClinGen allele CA398988175.
Genomic context (GRCh38, chr17:31,230,901, plus strand): 5'-GGAATAAGATGGTAGAATACCTGACAGACTGGGTTATGGGAACATCAAACCAAGCAGCAG[A>G]TGATGATGTAAAATGTCTTACAAGGTAAAAAAAGAATGACCTTCAAGTATTAGTGGGTTT-3'
Protein context (NP_001035957.1, residues 1048-1068): WVMGTSNQAA[Asp1058Gly]DDVKCLTRDL

ClinVar aggregate classification (germline): Uncertain significance. Review status: criteria provided, multiple submitters, no conflicts (2 of 4 stars). 2 submissions from 2 submitters: Uncertain significance (2). Last evaluated 2020-11-30.

Conditions:
Cardiovascular phenotype. Identifiers: MedGen CN230736.
Hereditary cancer-predisposing syndrome. Also called: Hereditary Cancer Syndrome; Hereditary neoplastic syndrome; Tumor predisposition; Neoplastic Syndromes, Hereditary. Identifiers: Orphanet 140162, MedGen C0027672, MeSH D009386, MONDO:0015356.
Neurofibromatosis, type 1 (NF1). Also called: VON RECKLINGHAUSEN DISEASE; NEUROFIBROMATOSIS, TYPE I, SOMATIC; Peripheral type neurofibromatosis; Neurofibromatosis, type I. Identifiers: Orphanet 636, MedGen C0027831, MONDO:0018975, OMIM 162200. Disease mechanism: loss of function.

Allele frequency attached by ClinVar (database versions not stated): gnomAD exomes below 0.00001.
gnomAD v4.1: 1 of 1,611,068 alleles (0.000062%); highest among the groups gnomAD compares: Non-Finnish European, 0.000085%; no homozygotes.

Submissions (2):

Ambry Genetics
Classification: Uncertain significance for Cardiovascular phenotype; Hereditary cancer-predisposing syndrome. Last evaluated: 2020-11-30. Review status: criteria provided, single submitter. Criteria: Ambry Variant Classification Scheme 2023. Collection method: clinical testing. Allele origin: germline.
Comment: The p.D1058G variant (also known as c.3173A>G), located in coding exon 24 of the NF1 gene, results from an A to G substitution at nucleotide position 3173. The aspartic acid at codon 1058 is replaced by glycine, an amino acid with similar properties. This amino acid position is highly conserved in available vertebrate species. In addition, the in silico prediction for this alteration is inconclusive. Since supporting evidence is limited at this time, the clinical significance of this alteration remains unclear.

Labcorp Genetics (formerly Invitae), Labcorp
Classification: Uncertain significance for Neurofibromatosis, type 1. Last evaluated: 2020-03-07. Review status: criteria provided, single submitter. Criteria: Invitae Variant Classification Sherloc (09022015). Collection method: clinical testing. Allele origin: germline.
Comment: In summary, this variant is a novel missense change with uncertain impact on protein function. It has been classified as a Variant of Uncertain Significance. Algorithms developed to predict the effect of sequence changes on RNA splicing suggest that this variant may alter RNA splicing, but this prediction has not been confirmed by published transcriptional studies. Algorithms developed to predict the effect of missense changes on protein structure and function do not agree on the potential impact of this missense change (SIFT: "Deleterious"; PolyPhen-2: "Probably Damaging"; Align-GVGD: "Class C0"). This variant is not present in population databases (ExAC no frequency) and has not been reported in the literature in individuals with a NF1-related disease. This sequence change replaces aspartic acid with glycine at codon 1058 of the NF1 protein (p.Asp1058Gly). The aspartic acid residue is moderately conserved and there is a moderate physicochemical difference between aspartic acid and glycine.